The following is an entry in ClinVar:

ClinVar aggregate classification (germline): Conflicting classifications of pathogenicity. Review status: criteria provided, conflicting classifications (1 of 4 stars). 7 submissions from 4 submitters: Uncertain significance (1); Likely benign (6). Last evaluated 2026-07-01.

Conditions:
Pfeiffer syndrome (ACS5). Also called: ACS V. Identifiers: Orphanet 710, MedGen C0220658, MONDO:0007043, OMIM 101600.
Hypogonadotropic hypogonadism 2 with or without anosmia (HH2). Also called: HYPOGONADOTROPIC HYPOGONADISM 2 WITHOUT ANOSMIA; HYPOGONADOTROPIC HYPOGONADISM 2 WITH OR WITHOUT ANOSMIA, SUSCEPTIBILITY TO; HYPOGONADOTROPIC HYPOGONADISM 2 WITHOUT ANOSMIA, SUSCEPTIBILITY TO; FGFR1-Related GnRH Deficiency (Kallmann Syndrome 2). Identifiers: Orphanet 478, MedGen C1563720, MONDO:0007844, OMIM 147950. Disease mechanism: loss of function.
Osteoglophonic dysplasia (OGD). Also called: Osteoglophonic dwarfism. Identifiers: Orphanet 2645, MedGen C0432283, MONDO:0008150, OMIM 166250.
Trigonocephaly 1 (TRIGNO1). Identifiers: Orphanet 3366, MedGen C0432122, MONDO:0008603, OMIM 190440.
Craniosynostosis syndrome. Also called: Craniosynostosis. Identifiers: Orphanet 1531, MedGen C0010278, MeSH D003398, MONDO:0015469, HP:0001363.

Allele frequency attached by ClinVar (database versions not stated): gnomAD 0.00009; TOPMed 0.00009; ESP Exome Variant Server 0.00023; 1000 Genomes Project 30x 0.00031; 1000 Genomes Project 0.00040.
gnomAD v4.1: 281 of 1,606,970 alleles (0.017%); highest among the groups gnomAD compares: Non-Finnish European, 0.021%; no homozygotes.

Submissions (7):

CeGaT Center for Human Genetics Tuebingen
Classification: Likely benign. Last evaluated: 2026-07-01. Review status: criteria provided, single submitter. Criteria: CeGaT Center For Human Genetics Tuebingen Variant Classification Criteria Version 2. Collection method: clinical testing. Allele origin: germline. Affected: yes. Observed: 1 variant allele.
Comment: FGFR1: BP4, BP7

Labcorp Genetics (formerly Invitae), Labcorp
Classification: Likely benign for Pfeiffer syndrome; Hypogonadotropic hypogonadism 2 with or without anosmia. Last evaluated: 2025-05-25. Review status: criteria provided, single submitter. Criteria: Invitae Variant Classification Sherloc (09022015). Collection method: clinical testing. Allele origin: germline.

Blueprint Genetics
Classification: Likely benign. Last evaluated: 2024-09-12. Review status: criteria provided, single submitter. Criteria: ACMG Guidelines, 2015. Collection method: clinical testing. Allele origin: germline.

Illumina Laboratory Services, Illumina
Classification: Uncertain significance for Hypogonadotropic hypogonadism 2 with or without anosmia. Last evaluated: 2018-01-13. Review status: criteria provided, single submitter. Criteria: ICSL Variant Classification Criteria 13 December 2019. Collection method: clinical testing. Allele origin: germline.

Illumina Laboratory Services, Illumina
Classification: Likely benign for Trigonocephaly 1. Last evaluated: 2018-01-13. Review status: criteria provided, single submitter. Criteria: ICSL Variant Classification Criteria 13 December 2019. Collection method: clinical testing. Allele origin: germline.
Comment: This variant was observed in the ICSL laboratory as part of a predisposition screen in an ostensibly healthy population. It had not been previously curated by ICSL or reported in the Human Gene Mutation Database (HGMD: prior to June 1st, 2018), and was therefore a candidate for classification through an automated scoring system. Utilizing variant allele frequency, disease prevalence and penetrance estimates, and inheritance mode, an automated score was calculated to assess if this variant is too frequent to cause the disease. Based on the score and internal cut-off values, a variant classified as likely benign is not then subjected to further curation. The score for this variant resulted in a classification of likely benign for this disease.

Illumina Laboratory Services, Illumina
Classification: Likely benign for Osteoglophonic dysplasia. Last evaluated: 2018-01-13. Review status: criteria provided, single submitter. Criteria: ICSL Variant Classification Criteria 13 December 2019. Collection method: clinical testing. Allele origin: germline.
Comment: the same text as in the submission from Illumina Laboratory Services, Illumina above.

Illumina Laboratory Services, Illumina
Classification: Likely benign for Craniosynostosis. Last evaluated: 2018-01-13. Review status: criteria provided, single submitter. Criteria: ICSL Variant Classification Criteria 13 December 2019. Collection method: clinical testing. Allele origin: germline.
Comment: the same text as in the submission from Illumina Laboratory Services, Illumina above.

NM_023110.3(FGFR1):c.273C>T (p.Ser91=)

Gene: FGFR1 (fibroblast growth factor receptor 1; minus strand). Cytogenetic location: 8p11.23.
Variant type: single nucleotide variant.
Coding change: c.273C>T on transcript NM_023110.3 (MANE Select); coding-DNA position 273, C replaced by T.
Protein change: p.Ser91=; no amino-acid change (serine 91 retained).
Molecular consequence: synonymous variant. On other transcripts: intron variant (5).
Genome position (GRCh38, 1-based): chr8:38,429,767, G>A on the plus strand (C>T on the coding strand, the complement: FGFR1 is on the minus strand). VCF-style: chr8-38429767-G-A. GRCh37 (hg19) VCF-style: chr8-38287285-G-A.
Other names: c.273C>T, p.Ser91= (NM_001174063.2, NM_001174065.2, NM_001354367.2 and 2 more transcripts); c.249C>T, p.Ser83= (NM_001174064.2); c.372C>T, p.Ser124= (NM_001174067.2); c.92-1332C>T (NM_001354368.2, NM_001354370.2, NM_023106.3 and 2 more transcripts).
Identifiers: ClinVar variation 362909 (VCV000362909.14), dbSNP rs201823433, ClinGen allele CA4718832.